The following is an entry in ClinVar:

ClinVar aggregate classification (germline): Uncertain significance. Review status: criteria provided, multiple submitters, no conflicts (2 of 4 stars). 2 submissions from 2 submitters: Uncertain significance (2). Last evaluated 2024-12-02.

Conditions:
Inborn genetic diseases. Identifiers: MedGen C0950123, MeSH D030342.

Allele frequency attached by ClinVar (database versions not stated): gnomAD 0.00001 and 0.00005; gnomAD exomes 0.00001 and 0.00008; TOPMed 0.00001; ExAC 0.00011; 1000 Genomes Project 30x 0.00016.
gnomAD v4.1: 121 of 1,546,282 alleles (0.0078%); highest among the groups gnomAD compares: East Asian, 0.3%; 2 homozygotes.

Submissions (2):

Labcorp Genetics (formerly Invitae), Labcorp
Classification: Uncertain significance. Last evaluated: 2024-12-02. Review status: criteria provided, single submitter. Criteria: Invitae Variant Classification Sherloc (09022015). Collection method: clinical testing. Allele origin: germline.
Comment: This sequence change replaces alanine, which is neutral and non-polar, with serine, which is neutral and polar, at codon 49 of the P3H2 protein (p.Ala49Ser). The frequency data for this variant in the population databases is considered unreliable, as metrics indicate poor data quality at this position in the gnomAD database. This variant has not been reported in the literature in individuals affected with P3H2-related conditions. ClinVar contains an entry for this variant (Variation ID: 1368799). Invitae Evidence Modeling of protein sequence and biophysical properties (such as structural, functional, and spatial information, amino acid conservation, physicochemical variation, residue mobility, and thermodynamic stability) indicates that this missense variant is not expected to disrupt P3H2 protein function with a negative predictive value of 80%. In summary, the available evidence is currently insufficient to determine the role of this variant in disease. Therefore, it has been classified as a Variant of Uncertain Significance.

Ambry Genetics
Classification: Uncertain significance for Inborn genetic diseases. Last evaluated: 2021-06-18. Review status: criteria provided, single submitter. Criteria: Ambry Variant Classification Scheme 2023. Collection method: clinical testing. Allele origin: germline.

NM_018192.4(P3H2):c.145G>T (p.Ala49Ser)

Gene: P3H2 (prolyl 3-hydroxylase 2; minus strand). Cytogenetic location: 3q28.
Variant type: single nucleotide variant.
Coding change: c.145G>T on transcript NM_018192.4 (MANE Select); coding-DNA position 145, G replaced by T.
Protein change: p.Ala49Ser; replaces alanine 49 with serine.
Molecular consequence: missense variant. On other transcripts: intron variant (1).
Genome position (GRCh38, 1-based): chr3:190,120,587, C>A on the plus strand (G>T on the coding strand, the complement: P3H2 is on the minus strand). VCF-style: chr3-190120587-C-A. GRCh37 (hg19) VCF-style: chr3-189838376-C-A.
Other names: c.-64+1616G>T (NM_001134418.2); c.145G>T (NM_018192.3); short protein forms A49S.
Identifiers: ClinVar variation 1368799 (VCV001368799.9), dbSNP rs778310746, ClinGen allele CA2753422.